The following is an entry in ClinVar:

NM_006231.4(POLE):c.6400G>T (p.Asp2134Tyr)

Gene: POLE (DNA polymerase epsilon, catalytic subunit; minus strand). Cytogenetic location: 12q24.33.
Variant type: single nucleotide variant.
Coding change: c.6400G>T on transcript NM_006231.4 (MANE Select); coding-DNA position 6400, G replaced by T.
Protein change: p.Asp2134Tyr; replaces aspartic acid 2134 with tyrosine.
Molecular consequence: missense variant.
Genome position (GRCh38, 1-based): chr12:132,626,248, C>A on the plus strand (G>T on the coding strand, the complement: POLE is on the minus strand). VCF-style: chr12-132626248-C-A. GRCh37 (hg19) VCF-style: chr12-133202834-C-A.
Other names: c.6400G>T (NM_006231.2); short protein forms D2134Y.
Identifiers: ClinVar variation 1410418 (VCV001410418.9), dbSNP rs2041837576, ClinGen allele CA387367690.
Genomic context (GRCh38, chr12:132,626,248, plus strand): 5'-GAAGCACGTAGGAGCGGCAGGGGTCTCGGAACTGGGCCTCCTCGGAGAACTCGCCGACAT[C>A]CACCAGGCGAAGCAGGTCTCGGTTCAGCTTATTCACCTGGTTTGTGATGTTGGTGTCCAG-3'
Protein context (NP_006222.2, residues 2124-2144): KLNRDLLRLV[Asp2134Tyr]VGEFSEEAQF

ClinVar aggregate classification (germline): Uncertain significance. Review status: criteria provided, multiple submitters, no conflicts (2 of 4 stars). 2 submissions from 2 submitters: Uncertain significance (2). Last evaluated 2025-06-23.

Conditions:
Hereditary cancer-predisposing syndrome. Also called: Hereditary Cancer Syndrome; Tumor predisposition; Hereditary neoplastic syndrome; Neoplastic Syndromes, Hereditary. Identifiers: Orphanet 140162, MedGen C0027672, MeSH D009386, MONDO:0015356.

Submissions (2):

Labcorp Genetics (formerly Invitae), Labcorp
Classification: Uncertain significance. Last evaluated: 2025-06-23. Review status: criteria provided, single submitter. Criteria: Invitae Variant Classification Sherloc (09022015). Collection method: clinical testing. Allele origin: germline.
Comment: This sequence change replaces aspartic acid, which is acidic and polar, with tyrosine, which is neutral and polar, at codon 2134 of the POLE protein (p.Asp2134Tyr). This variant is not present in population databases (gnomAD no frequency). This variant has not been reported in the literature in individuals affected with POLE-related conditions. ClinVar contains an entry for this variant (Variation ID: 1410418). Invitae Evidence Modeling of protein sequence and biophysical properties (such as structural, functional, and spatial information, amino acid conservation, physicochemical variation, residue mobility, and thermodynamic stability) indicates that this missense variant is not expected to disrupt POLE protein function with a negative predictive value of 80%. In summary, the available evidence is currently insufficient to determine the role of this variant in disease. Therefore, it has been classified as a Variant of Uncertain Significance.

Ambry Genetics
Classification: Uncertain significance for Hereditary cancer-predisposing syndrome. Last evaluated: 2025-02-02. Review status: criteria provided, single submitter. Criteria: Ambry Variant Classification Scheme 2023. Collection method: clinical testing. Allele origin: germline.
Comment: The p.D2134Y variant (also known as c.6400G>T), located in coding exon 46 of the POLE gene, results from a G to T substitution at nucleotide position 6400. The aspartic acid at codon 2134 is replaced by tyrosine, an amino acid with highly dissimilar properties. This amino acid position is conserved. In addition, the in silico prediction for this alteration is inconclusive. Based on the available evidence, the clinical significance of this variant remains unclear.